The following is an entry in ClinVar:

NM_015046.7(SETX):c.7928A>G (p.Gln2643Arg)

Gene: SETX (senataxin; minus strand). Cytogenetic location: 9q34.13.
Variant type: single nucleotide variant.
Coding change: c.7928A>G on transcript NM_015046.7 (MANE Select); coding-DNA position 7928, A replaced by G.
Protein change: p.Gln2643Arg; replaces glutamine 2643 with arginine.
Molecular consequence: missense variant.
Genome position (GRCh38, 1-based): chr9:132,264,345, T>C on the plus strand (A>G on the coding strand, the complement: SETX is on the minus strand). VCF-style: chr9-132264345-T-C. GRCh37 (hg19) VCF-style: chr9-135139732-T-C.
Other names: c.7928A>G, p.Gln2643Arg (NM_001351527.2); c.8015A>G, p.Gln2672Arg (NM_001351528.2); short protein forms Q2672R, Q2643R.
Identifiers: ClinVar variation 916294 (VCV000916294.42), dbSNP rs1842518697, ClinGen allele CA375321044.

ClinVar aggregate classification (germline): Uncertain significance. Review status: criteria provided, multiple submitters, no conflicts (2 of 4 stars). 2 submissions from 2 submitters: Uncertain significance (2). Last evaluated 2024-07-24.

Conditions:
Amyotrophic lateral sclerosis type 4 (ALS4). Also called: AMYOTROPHIC LATERAL SCLEROSIS 4, JUVENILE; NEURONOPATHY, DISTAL HEREDITARY MOTOR, WITH PYRAMIDAL FEATURES. Identifiers: Orphanet 357043, MedGen C1865409, MONDO:0011223, OMIM 602433.
Spinocerebellar ataxia, autosomal recessive, with axonal neuropathy 2 (SCAN2). Also called: Ataxia with Oculomotor Apraxia Type 2; ATAXIA-OCULOMOTOR APRAXIA 2; Ataxia with Oculomotor Apraxia; Ataxia-ocular apraxia-2. Identifiers: Orphanet 64753, MedGen C1853761, MONDO:0018996, OMIM 606002.

Allele frequency attached by ClinVar (database versions not stated): gnomAD exomes below 0.00001.

Submissions (2):

Labcorp Genetics (formerly Invitae), Labcorp
Classification: Uncertain significance for Amyotrophic lateral sclerosis type 4; Spinocerebellar ataxia, autosomal recessive, with axonal neuropathy 2. Last evaluated: 2024-07-24. Review status: criteria provided, single submitter. Criteria: Invitae Variant Classification Sherloc (09022015). Collection method: clinical testing. Allele origin: germline.
Comment: This sequence change replaces glutamine, which is neutral and polar, with arginine, which is basic and polar, at codon 2643 of the SETX protein (p.Gln2643Arg). This variant is not present in population databases (gnomAD no frequency). This variant has not been reported in the literature in individuals affected with SETX-related conditions. ClinVar contains an entry for this variant (Variation ID: 916294). Advanced modeling of protein sequence and biophysical properties (such as structural, functional, and spatial information, amino acid conservation, physicochemical variation, residue mobility, and thermodynamic stability) performed at Invitae indicates that this missense variant is not expected to disrupt SETX protein function with a negative predictive value of 95%. In summary, the available evidence is currently insufficient to determine the role of this variant in disease. Therefore, it has been classified as a Variant of Uncertain Significance.

CeGaT Center for Human Genetics Tuebingen
Classification: Uncertain significance. Last evaluated: 2020-05-01. Review status: criteria provided, single submitter. Criteria: CeGaT Center For Human Genetics Tuebingen Variant Classification Criteria Version 2. Collection method: clinical testing. Allele origin: germline. Affected: yes. Observed: 1 variant allele.